The following is an entry in ClinVar:

ClinVar aggregate classification (germline): Pathogenic/Likely pathogenic. Review status: criteria provided, multiple submitters, no conflicts (2 of 4 stars). 7 submissions from 7 submitters: Pathogenic (2); Likely pathogenic (5). Last evaluated 2026-04-30.

Conditions:
Cardiovascular phenotype. Identifiers: MedGen CN230736.
Arrhythmogenic cardiomyopathy with wooly hair and keratoderma. Also called: PALMOPLANTAR KERATODERMA WITH LEFT VENTRICULAR CARDIOMYOPATHY AND WOOLLY HAIR; Carvajal syndrome; Arrhythmogenic cardiomyopathy with woolly hair and keratoderma; Dilated cardiomyopathy with woolly hair and keratoderma. Identifiers: Orphanet 65282, MedGen C1854063, MONDO:0011581, OMIM 605676.
Arrhythmogenic right ventricular dysplasia 8 (ARVD8). Also called: Arrhythmogenic Right Ventricular Dysplasia/Cardiomyopathy 8; ARRHYTHMOGENIC RIGHT VENTRICULAR DYSPLASIA, FAMILIAL, 8; ARRHYTHMOGENIC RIGHT VENTRICULAR CARDIOMYOPATHY 8. Identifiers: MedGen C1843896, MONDO:0011831, OMIM 607450.
Arrhythmogenic right ventricular cardiomyopathy (ARVD). Also called: Arrhythmogenic Right Ventricular Cardiomyopathy (ARVC); Cardiomyopathy, ARVC; Arrhythmogenic right ventricular dysplasia; Arrhythmogenic cardiomyopathy. Identifiers: Orphanet 247, MedGen C0349788, MeSH D019571, MONDO:0016587. Disease mechanism: loss of function. Inheritance: Various modes of inheritance.
Cardiomyopathy (CMYO). Also called: Cardiomyopathies. Identifiers: Orphanet 167848, MedGen C0878544, MONDO:0004994, HP:0001638. Inheritance: Various modes of inheritance.

Submissions (7):

Molecular Diagnostic Laboratory for Inherited Cardiovascular Disease, Montreal Heart Institute
Classification: Likely pathogenic for Cardiovascular phenotype. Last evaluated: 2026-04-30. Review status: criteria provided, single submitter. Criteria: ACMG Guidelines, 2015. Collection method: clinical testing. Allele origin: germline. Affected: yes.
Comment: PVS1_strong, PS4_supp, PM2

GeneDx
Classification: Pathogenic. Last evaluated: 2025-10-29. Review status: criteria provided, single submitter. Criteria: GeneDx Variant Classification Process June 2021. Collection method: clinical testing. Allele origin: germline. Affected: yes.
Comment: Reported in an individual from an exome sequencing cohort; however, patient-specific clinical details were not provided (PMID: 36129056); Not observed at significant frequency in large population cohorts (gnomAD); Frameshift variant predicted to result in protein truncation in a gene for which loss of function is a known mechanism of disease; This variant is associated with the following publications: (PMID: 36129056)

Color Diagnostics, LLC DBA Color Health
Classification: Likely pathogenic for Cardiomyopathy. Last evaluated: 2024-11-18. Review status: criteria provided, single submitter. Criteria: ACMG Guidelines, 2015. Collection method: clinical testing. Allele origin: germline.
Comment: This variant deletes 2 nucleotides in exon 24 of the DSP gene, creating a frameshift and premature translation stop signal in the last exon. This variant is predicted to escape nonsense-mediated decay and be expressed as a truncated protein. Although functional studies have not been reported, this variant is expected to disrupt the plakin repeat domain B and C. Plakin repeat domains and downstream C-terminal sequence have been reported to be essential for interaction with intermediate filaments (PMID: 12101406, 12802069, 21756917). In addition, other truncating variants occurring downstream of this variant are known to be disease-causing (ClinVar variation ID: 246676, 263803). This variant has been reported in an individual affected with arrhythmogenic cardiomyopathy (PMID: 32389048). This variant has not been identified in the general population by the Genome Aggregation Database (gnomAD). Based on the available evidence, this variant is classified as Likely Pathogenic.

All of Us Research Program, National Institutes of Health
Classification: Likely pathogenic for Arrhythmogenic cardiomyopathy with wooly hair and keratoderma. Last evaluated: 2024-08-03. Review status: criteria provided, single submitter. Criteria: ACMG Guidelines, 2015. Collection method: clinical testing. Allele origin: germline. Inheritance: Autosomal dominant inheritance. Observed: 1 variant allele, 1 heterozygote.
Comment: The c.6954_6955del (p.Gly2319Serfs*5) variant of DSP is in the last exon (exon 24) of the gene and is predicted to alter the protein amino acid sequence beginning at position 2319, leading to a premature termination codon five amino acids downstream. This termination codon occurs within the last exon and is likely to escape nonsense mediated decay (NMD) and result in a truncated protein that misses ~19% of the coding region, with ~550 amino acids removed. This variant is absent in the general population (gnomAD). Additionally, multiple other truncating variants after the amino acid 2319 in the DSP gene have been reported in ClinVar in association with DSP-related disorders. Therefore, the c.6954_6955del (p.Gly2319Serfs*5) variant of DSP is classified as likely pathogenic.

This study involves interpretation of variants in research participants for the purpose of population health screening. Participant phenotype was not available at the time of variant classification. Additional details can be found in publication PMID: 35346344, PMCID: PMC8962531

Laboratory for Molecular Medicine, Mass General Brigham Personalized Medicine
Classification: Likely pathogenic for Arrhythmogenic right ventricular cardiomyopathy. Last evaluated: 2021-03-29. Review status: criteria provided, single submitter. Criteria: ACMG Guidelines, 2015. Collection method: clinical testing. Allele origin: germline. Inheritance: Autosomal dominant inheritance.
Comment: The p.Gly2319SerfsX5 variant in DSP has not been previously reported in individuals with arrhythmogenic right ventricular cardiomyopathy (ARVC) or Carvajal syndrome but has been reported by other clinical laboratories in ClinVar (Variation ID: 518482). It was absent from large population studies. This variant is predicted to cause a frameshift, which alters the protein’s amino acid sequence beginning at position 2319 and leads to a premature termination codon 5 amino acids downstream. This termination codon occurs within the last exon and is, therefore, likely to escape nonsense mediated decay (NMD) and result in a truncated protein that is missing ~19% of the coding region, with 548 amino acids removed. Additional truncating variants downstream of this variant have been reported in individuals with ARVC/ Carvajal syndrome. In summary, although additional studies are required to fully establish its clinical significance, this variant meets criteria to be classified as likely pathogenic for autosomal dominant ARVC and autosomal recessive Carvajal syndrome. ACMG/AMP Criteria applied: PVS1_Strong, PM2_Supporting.

Labcorp Genetics (formerly Invitae), Labcorp
Classification: Pathogenic for Arrhythmogenic cardiomyopathy with wooly hair and keratoderma; Arrhythmogenic right ventricular dysplasia 8. Last evaluated: 2020-08-02. Review status: criteria provided, single submitter. Criteria: Invitae Variant Classification Sherloc (09022015). Collection method: clinical testing. Allele origin: germline.
Comment: This sequence change results in a premature translational stop signal in the DSP gene (p.Gly2319Serfs*5). While this is not anticipated to result in nonsense mediated decay, it is expected to disrupt the last 553 amino acids of the DSP protein. This variant is not present in population databases (ExAC no frequency). This variant has not been reported in the literature in individuals with DSP-related conditions. Algorithms developed to predict the effect of sequence changes on RNA splicing suggest that this variant may create or strengthen a splice site, but this prediction has not been confirmed by published transcriptional studies. This variant disrupts the C-terminus of the DSP protein. Other variant(s) that disrupt this region (p.Gln2667*, p.Pro2719Argfs*27) have been determined to be pathogenic (PMID: 20400443, Invitae). This suggests that variants that disrupt this region of the protein are likely to be causative of disease. For these reasons, this variant has been classified as Pathogenic.

Ambry Genetics
Classification: Likely pathogenic for Cardiovascular phenotype. Last evaluated: 2017-09-12. Review status: criteria provided, single submitter. Criteria: Ambry Variant Classification Scheme 2023. Collection method: clinical testing. Allele origin: germline.
Comment: The c.6954_6955delAG variant, located in coding exon 24 of the DSP gene, results from a deletion of two nucleotides at nucleotide positions 6954 to 6955, causing a translational frameshift with a predicted alternate stop codon (p.G2319Sfs*5). Alterations in DSP that result in haploinsufficiency or protein truncation have been reported in patients with arrhythmogenic right ventricular cardiomyopathy (ARVC) and dilated cardiomyopathy (DCM) (Fressart V et al. Europace. 2010;12(6):861-8; Elliott P et al. Circ Cardiovasc Genet. 2010;3(4):314-22; Quarta G et al. Circulation. 2011;123(23):2701-9; Garcia-Pavia P et al. Heart. 2011;97(21):1744-52; Rasmussen TB et al. Clin Genet. 2013;84(1):20-30; Pugh TJ et al. Genet Med. 2014;16(8):601-8). This alteration occurs at the 3' terminus of DSP, is not expected to trigger nonsense-mediated mRNA decay, and removes the last 553 amino acids of the protein. While the exact functional impact of these removed amino acids is unknown at this time, the eliminated amino acids include 4 plectin domains and 6 X 4 AA tandem repeats of G-S-R-[SR], and several alterations more C-terminal than this variant have been detected in ARVC and DCM cohorts (e.g., c.8077_8080delAAG and c.8188delC in Walsh R et al. Genet. Med. 2017;19:192-203). In addition, multiple nonsense and frameshift alterations in the 3' terminus of DSP have been identified in the homozygous or compound heterozygous state in individuals with autosomal recessive Carvajal syndrome (e.g., c.7623delG in Norgett EE et al. Hum. Mol. Genet. 2000;9:2761-6). Based on the majority of available evidence to date, this variant is likely to be pathogenic.

Literature cited by the submitters: PubMed 12101406 (cited by Color Diagnostics, LLC DBA Color Health); PubMed 12802069 (cited by Color Diagnostics, LLC DBA Color Health); PubMed 21756917 (cited by Color Diagnostics, LLC DBA Color Health); PubMed 32389048 (cited by Color Diagnostics, LLC DBA Color Health); PubMed 20400443 (cited by Labcorp Genetics (formerly Invitae), Labcorp); PubMed 11063735 (cited by Ambry Genetics); PubMed 27532257 (cited by Ambry Genetics).

NM_004415.4(DSP):c.6954_6955del (p.Gly2319fs)

Gene: DSP (desmoplakin; plus strand). Cytogenetic location: 6p24.3.
Variant type: Microsatellite.
Coding change: c.6954_6955del on transcript NM_004415.4 (MANE Select); coding-DNA positions 6954 to 6955, 2 bases deleted (AG; older notation c.6954_6955delAG).
Protein change: p.Gly2319fs; shifts the reading frame from glycine 2319.
Molecular consequence: frameshift variant.
Genome position (GRCh38, 1-based): chr6:7,584,216-7,584,217, AG deleted; deleting any 2 consecutive bases within chr6:7,584,212-7,584,217 gives the same sequence; the c. name uses the placement nearest the transcript's 3' end. VCF-style (leftmost placement, unchanged base first): chr6-7584211-AAG-A. GRCh37 (hg19) VCF-style: chr6-7584444-AAG-A.
Other names: c.6954_6955del (NM_004415.2, NM_004415.3); c.5157_5158del, p.Gly1720fs (NM_001008844.3); c.5625_5626del, p.Gly1876fs (NM_001319034.2); short protein forms G2319fs, G1876fs, G1720fs.
Identifiers: ClinVar variation 518482 (VCV000518482.23), dbSNP rs1554108929, ClinGen allele CA658796720.